The following is an entry in ClinVar:

NC_000007.13:g.(?_148080721)_(148081000_?)del

Gene: CNTNAP2 (contactin associated protein 2; plus strand). Cytogenetic location: 7q36.1.
Variant type: Deletion.
Identifiers: ClinVar variation 1411784 (VCV001411784.8).

ClinVar aggregate classification (germline): Uncertain significance (1 of 4 stars; one submission).

Conditions:
Cortical dysplasia-focal epilepsy syndrome (PTHSL1). Also called: Pitt-Hopkins-like syndrome 1. Identifiers: Orphanet 163681, Orphanet 221150, MedGen C2750246, MONDO:0012400, OMIM 610042.

Submission:

Labcorp Genetics (formerly Invitae), Labcorp
Classification: Uncertain significance for Cortical dysplasia-focal epilepsy syndrome. Last evaluated: 2024-01-04. Review status: criteria provided, single submitter. Criteria: Invitae Variant Classification Sherloc (09022015). Collection method: clinical testing. Allele origin: germline.
Comment: This variant is a gross deletion of the genomic region encompassing exon(s) 22 of the CNTNAP2 gene. This variant would be expected to be in-frame, preserving the integrity of the reading frame. This variant has not been reported in the literature in individuals affected with CNTNAP2-related conditions. Experimental studies and prediction algorithms are not available or were not evaluated, and the functional significance of this variant is currently unknown. In summary, the available evidence is currently insufficient to determine the role of this variant in disease. Therefore, it has been classified as a Variant of Uncertain Significance.